The following is an entry in ClinVar:

NM_053025.4(MYLK):c.3131C>T (p.Ala1044Val)

Gene: MYLK (myosin light chain kinase; minus strand). Cytogenetic location: 3q21.1.
Variant type: single nucleotide variant.
Coding change: c.3131C>T on transcript NM_053025.4 (MANE Select); coding-DNA position 3131, C replaced by T.
Protein change: p.Ala1044Val; replaces alanine 1044 with valine.
Molecular consequence: missense variant.
Genome position (GRCh38, 1-based): chr3:123,700,337, G>A on the plus strand (C>T on the coding strand, the complement: MYLK is on the minus strand). VCF-style: chr3-123700337-G-A. GRCh37 (hg19) VCF-style: chr3-123419184-G-A.
Other names: c.2603C>T, p.Ala868Val (NM_001321309.2); c.2924C>T, p.Ala975Val (NM_053026.4, NM_053028.4); c.3131C>T, p.Ala1044Val (NM_053027.4); short protein forms A1044V, A868V, A975V.
Identifiers: ClinVar variation 1722193 (VCV001722193.5), dbSNP rs771422273, ClinGen allele CA069401.

ClinVar aggregate classification (germline): Uncertain significance (1 of 4 stars; one submission).

Conditions:
Aortic aneurysm, familial thoracic 7 (AAT7). Also called: AORTIC DISSECTION, FAMILIAL, WITH OR WITHOUT AORTIC ANEURYSM. Identifiers: MedGen C3151077, MONDO:0013418, OMIM 613780.

Allele frequency attached by ClinVar (database versions not stated): gnomAD exomes below 0.00001; ExAC 0.00001; gnomAD 0.00001.
gnomAD v4.1: 3 of 1,613,422 alleles (0.00019%); highest among the groups gnomAD compares: African/African-American, 0.0027%; no homozygotes.

Submission:

Labcorp Genetics (formerly Invitae), Labcorp
Classification: Uncertain significance for Aortic aneurysm, familial thoracic 7. Last evaluated: 2022-10-26. Review status: criteria provided, single submitter. Criteria: Invitae Variant Classification Sherloc (09022015). Collection method: clinical testing. Allele origin: germline.
Comment: This sequence change replaces alanine, which is neutral and non-polar, with valine, which is neutral and non-polar, at codon 1044 of the MYLK protein (p.Ala1044Val). This variant is present in population databases (rs771422273, gnomAD 0.007%). This variant has not been reported in the literature in individuals affected with MYLK-related conditions. Advanced modeling of protein sequence and biophysical properties (such as structural, functional, and spatial information, amino acid conservation, physicochemical variation, residue mobility, and thermodynamic stability) performed at Invitae indicates that this missense variant is not expected to disrupt MYLK protein function. In summary, the available evidence is currently insufficient to determine the role of this variant in disease. Therefore, it has been classified as a Variant of Uncertain Significance.